The following is an entry in ClinVar:

ClinVar aggregate classification (germline): Uncertain significance (1 of 4 stars; one submission).

Conditions:
Inborn genetic diseases. Identifiers: MedGen C0950123, MeSH D030342.

Submission:

Ambry Genetics
Classification: Uncertain significance for Inborn genetic diseases. Last evaluated: 2025-06-06. Review status: criteria provided, single submitter. Criteria: Ambry Variant Classification Scheme 2023. Collection method: clinical testing. Allele origin: germline.
Comment: The p.K582Q variant (also known as c.1744A>C), located in coding exon 12 of the BMPR2 gene, results from an A to C substitution at nucleotide position 1744. The lysine at codon 582 is replaced by glutamine, an amino acid with similar properties. This amino acid position is conserved. In addition, the in silico prediction for this alteration is inconclusive. Based on the available evidence, the clinical significance of this variant remains unclear.

NM_001204.7(BMPR2):c.1744A>C (p.Lys582Gln)

Gene: BMPR2 (bone morphogenetic protein receptor type 2; plus strand). Cytogenetic location: 2q33.2.
Variant type: single nucleotide variant.
Coding change: c.1744A>C on transcript NM_001204.7 (MANE Select); coding-DNA position 1744, A replaced by C.
Protein change: p.Lys582Gln; replaces lysine 582 with glutamine.
Molecular consequence: missense variant.
Genome position (GRCh38, 1-based): chr2:202,555,409, A>C. VCF-style: chr2-202555409-A-C. GRCh37 (hg19) VCF-style: chr2-203420132-A-C.
Other names: short protein forms K582Q.
Identifiers: ClinVar variation 3992223 (VCV003992223.1).